The following is an entry in ClinVar:

NM_152564.5(VPS13B):c.7780-18G>A

Gene: VPS13B (vacuolar protein sorting 13 homolog B; plus strand). Cytogenetic location: 8q22.2.
Variant type: single nucleotide variant.
Coding change: c.7780-18G>A on transcript NM_152564.5 (MANE Select); 18 bases into the intron before coding-DNA position 7780, G replaced by A.
Molecular consequence: intron variant.
Genome position (GRCh38, 1-based): chr8:99,784,297, G>A. VCF-style: chr8-99784297-G-A. GRCh37 (hg19) VCF-style: chr8-100796525-G-A.
Other names: c.7855-18G>A (NM_017890.5); c.7780-18G>A (NM_152564.4).
Identifiers: ClinVar variation 1592321 (VCV001592321.11), dbSNP rs781012951, ClinGen allele CA4824305.

ClinVar aggregate classification (germline): Likely benign. Review status: criteria provided, multiple submitters, no conflicts (2 of 4 stars). 3 submissions from 3 submitters: Likely benign (2). 1 of the submissions does not count toward it. Last evaluated 2026-01-11.

Conditions:
Cohen syndrome (COH1). Also called: PEPPER SYNDROME; Cutis verticis gyrata, retinitis pigmentosa, and sensorineural deafness. Identifiers: Orphanet 193, MedGen C0265223, MONDO:0008999, OMIM 216550.
VPS13B-related disorder. Also called: VPS13B-related condition.

Allele frequency attached by ClinVar (database versions not stated): TOPMed 0.00001; ExAC 0.00005.
gnomAD v4.1: 35 of 1,613,308 alleles (0.0022%); highest among the groups gnomAD compares: African/African-American, 0.004%; no homozygotes.

Submissions (3):

Labcorp Genetics (formerly Invitae), Labcorp
Classification: Likely benign for Cohen syndrome. Last evaluated: 2026-01-11. Review status: criteria provided, single submitter. Criteria: Invitae Variant Classification Sherloc (09022015). Collection method: clinical testing. Allele origin: germline.

Blueprint Genetics
Classification: Likely benign. Last evaluated: 2023-02-01. Review status: criteria provided, single submitter. Criteria: ACMG Guidelines, 2015. Collection method: clinical testing. Allele origin: germline.

PreventionGenetics, part of Exact Sciences
Classification: Likely benign for VPS13B-related condition. Last evaluated: 2023-01-24. Review status: no assertion criteria provided. Collection method: clinical testing. Allele origin: germline. Not counted in ClinVar's aggregate classification.
Comment: This variant is classified as likely benign based on ACMG/AMP sequence variant interpretation guidelines (Richards et al. 2015 PMID: 25741868, with internal and published modifications).